The following is an entry in ClinVar:

NM_001267550.2(TTN):c.22889G>C (p.Cys7630Ser)

Gene: TTN (titin; minus strand). Cytogenetic location: 2q31.2.
Variant type: single nucleotide variant.
Coding change: c.22889G>C on transcript NM_001267550.2 (MANE Select); coding-DNA position 22889, G replaced by C.
Protein change: p.Cys7630Ser; replaces cysteine 7630 with serine.
Molecular consequence: missense variant. On other transcripts: intron variant (3).
Genome position (GRCh38, 1-based): chr2:178,721,130, C>G on the plus strand (G>C on the coding strand, the complement: TTN is on the minus strand). VCF-style: chr2-178721130-C-G. GRCh37 (hg19) VCF-style: chr2-179585857-C-G.
Other names: p.C7313S:TGT>TCT; c.21938G>C, p.Cys7313Ser (NM_001256850.1); c.19157G>C, p.Cys6386Ser (NM_133378.4); c.13282+16952G>C (NM_003319.4); c.13858+16952G>C (NM_133437.4); c.13657+16952G>C (NM_133432.3); short protein forms C7313S, C7630S, C6386S.
Identifiers: ClinVar variation 203317 (VCV000203317.5), dbSNP rs781175517, ClinGen allele CA312019.
Genomic context (GRCh38, chr2:178,721,130, plus strand): 5'-TGAAGTTCGCTGTCATTTCGGAACCATGAAACTTTGATTTCTGGGGAGCCACTTATTTTA[C>G]ATTCCAGTTGAATGGATTCTCCCTGCTTTGCAACTTTTGAAGCTTCTAATTTCTTAACAA-3'
Protein context (NP_001254479.2, residues 7620-7640): AKQGESIQLE[Cys7630Ser]KISGSPEIKV

ClinVar aggregate classification (germline): Uncertain significance. Review status: criteria provided, multiple submitters, no conflicts (2 of 4 stars). 2 submissions from 2 submitters: Uncertain significance (2). Last evaluated 2020-02-13.

Allele frequency attached by ClinVar (database versions not stated): gnomAD exomes 0.00004; ExAC 0.00008.
gnomAD v4.1: 10 of 1,613,182 alleles (0.00062%); highest among the groups gnomAD compares: Non-Finnish European, 0.00085%; no homozygotes.

Submissions (2):

Revvity Omics, Revvity
Classification: Uncertain significance. Last evaluated: 2020-02-13. Review status: criteria provided, single submitter. Criteria: ACMG Guidelines, 2015. Collection method: clinical testing. Allele origin: germline.

GeneDx
Classification: Uncertain significance. Last evaluated: 2015-09-23. Review status: criteria provided, single submitter. Criteria: GeneDx Variant Classification (06012015). Collection method: clinical testing. Allele origin: germline. Affected: yes.
Comment: Missense variants in the TTN gene are considered 'unclassified' if they are not previously reported in the literature and do not have >1% frequency in the population to be considered a polymorphism. Research indicates that truncating mutations in the TTN gene are expected to account for approximately 25% of familial and 18% of sporadic idiopathic DCM; however, truncating variants in the TTN gene have been reported in approximately 3% of reported control alleles. There has been little investigation into non-truncating variants. (Herman D et al. Truncations of titin causing dilated cardiomyopathy. N Eng J Med 366:619-628, 2012) The variant is found in DCM panel(s).